The following is an entry in ClinVar:

NM_001614.5(ACTG1):c.-5T>C

Gene: ACTG1 (actin gamma 1; minus strand). Cytogenetic location: 17q25.3.
Variant type: single nucleotide variant.
Coding change: c.-5T>C on transcript NM_001614.5 (MANE Select); 5 bases upstream of the start codon, T replaced by C.
Molecular consequence: 5 prime UTR variant. On other transcripts: non-coding transcript variant (1).
Genome position (GRCh38, 1-based): chr17:81,512,359, A>G on the plus strand (T>C on the coding strand, the complement: ACTG1 is on the minus strand). VCF-style: chr17-81512359-A-G. GRCh37 (hg19) VCF-style: chr17-79479385-A-G.
Other names: c.-5T>C (NM_001199954.3).
Identifiers: ClinVar variation 561844 (VCV000561844.1), dbSNP rs782246678, ClinGen allele CA8836430.

ClinVar aggregate classification (germline): Likely benign (1 of 4 stars; one submission).

Allele frequency attached by ClinVar (database versions not stated): gnomAD exomes below 0.00001; ExAC 0.00001.
gnomAD v4.1: 3 of 1,613,816 alleles (0.00019%); highest among the groups gnomAD compares: Non-Finnish European, 0.00017%; no homozygotes.

Submission:

GeneDx
Classification: Likely benign. Last evaluated: 2018-05-09. Review status: criteria provided, single submitter. Criteria: GeneDx Variant Classification (06012015). Collection method: clinical testing. Allele origin: germline. Affected: yes.
Comment: This variant is considered likely benign or benign based on one or more of the following criteria: it is a conservative change, it occurs at a poorly conserved position in the protein, it is predicted to be benign by multiple in silico algorithms, and/or has population frequency not consistent with disease.